The following is an entry in ClinVar:

ClinVar aggregate classification (germline): Uncertain significance (1 of 4 stars; one submission).

Conditions:
Atrial fibrillation, familial, 7 (ATFB7). Identifiers: MedGen C2677106, MONDO:0012828, OMIM 612240.

Allele frequency attached by ClinVar (database versions not stated): TOPMed below 0.00001.

Submission:

Labcorp Genetics (formerly Invitae), Labcorp
Classification: Uncertain significance for Atrial fibrillation, familial, 7. Last evaluated: 2021-05-13. Review status: criteria provided, single submitter. Criteria: Invitae Variant Classification Sherloc (09022015). Collection method: clinical testing. Allele origin: germline.
Comment: This sequence change replaces arginine with leucine at codon 342 of the KCNA5 protein (p.Arg342Leu). The arginine residue is highly conserved and there is a moderate physicochemical difference between arginine and leucine. This variant is not present in population databases (ExAC no frequency). This variant has not been reported in the literature in individuals with KCNA5-related conditions. Algorithms developed to predict the effect of missense changes on protein structure and function (SIFT, PolyPhen-2, Align-GVGD) all suggest that this variant is likely to be disruptive, but these predictions have not been confirmed by published functional studies and their clinical significance is uncertain. In summary, the available evidence is currently insufficient to determine the role of this variant in disease. Therefore, it has been classified as a Variant of Uncertain Significance.

NM_002234.4(KCNA5):c.1025G>T (p.Arg342Leu)

Gene: KCNA5 (potassium voltage-gated channel subfamily A member 5; plus strand). Cytogenetic location: 12p13.32.
Variant type: single nucleotide variant.
Coding change: c.1025G>T on transcript NM_002234.4 (MANE Select); coding-DNA position 1025, G replaced by T.
Protein change: p.Arg342Leu; replaces arginine 342 with leucine.
Molecular consequence: missense variant.
Genome position (GRCh38, 1-based): chr12:5,045,172, G>T. VCF-style: chr12-5045172-G-T. GRCh37 (hg19) VCF-style: chr12-5154338-G-T.
Other names: short protein forms R342L.
Identifiers: ClinVar variation 1480345 (VCV001480345.8), dbSNP rs1862761454, ClinGen allele CA383465614.